The following is an entry in ClinVar:

NM_024817.3(THSD4):c.1575C>T (p.Tyr525=)

Gene: THSD4 (thrombospondin type 1 domain containing 4; plus strand). Cytogenetic location: 15q23.
Variant type: single nucleotide variant.
Coding change: c.1575C>T on transcript NM_024817.3 (MANE Select); coding-DNA position 1575, C replaced by T.
Protein change: p.Tyr525=; no amino-acid change (tyrosine 525 retained).
Molecular consequence: synonymous variant.
Genome position (GRCh38, 1-based): chr15:71,731,162, C>T. VCF-style: chr15-71731162-C-T. GRCh37 (hg19) VCF-style: chr15-72023501-C-T.
Other names: c.495C>T, p.Tyr165= (NM_001286429.2); c.1575C>T, p.Tyr525= (NM_001394532.1).
Identifiers: ClinVar variation 2645501 (VCV002645501.24), dbSNP rs757426255, ClinGen allele CA7639578.

ClinVar aggregate classification (germline): Likely benign (1 of 4 stars; one submission).

Allele frequency attached by ClinVar (database versions not stated): ExAC 0.00003; gnomAD exomes 0.00003; TOPMed 0.00004; gnomAD 0.00005.
gnomAD v4.1: 58 of 1,614,172 alleles (0.0036%); highest among the groups gnomAD compares: African/African-American, 0.0093%; no homozygotes.

Submission:

CeGaT Center for Human Genetics Tuebingen
Classification: Likely benign. Last evaluated: 2022-08-01. Review status: criteria provided, single submitter. Criteria: CeGaT Center For Human Genetics Tuebingen Variant Classification Criteria Version 2. Collection method: clinical testing. Allele origin: germline. Affected: yes. Observed: 1 variant allele.
Comment: THSD4: BP4, BP7